The following is an entry in ClinVar:

NC_000002.12:g.(?_110163048)_(110204968_?)del

Gene: NPHP1 (nephrocystin 1; minus strand). Cytogenetic location: 2q13.
Variant type: Deletion.
Identifiers: ClinVar variation 583618 (VCV000583618.1).

ClinVar aggregate classification (germline): Pathogenic (1 of 4 stars; one submission).

Conditions:
Nephronophthisis. Also called: Juvenile Nephronophthisis. Identifiers: Orphanet 655, MedGen C0687120, MONDO:0019005, HP:0000090.

Submission:

Labcorp Genetics (formerly Invitae), Labcorp
Classification: Pathogenic for Nephronophthisis. Last evaluated: 2017-12-13. Review status: criteria provided, single submitter. Criteria: Invitae Variant Classification Sherloc (09022015). Collection method: clinical testing. Allele origin: germline.
Comment: A gross deletion of the genomic region encompassing the full coding sequence of the NPHP1 gene has been identified. The boundaries of this event are unknown as the deletion extends beyond the assayed region for this gene and therefore may encompass additional genes. Full gene deletions of NPHP1 have been reported in individuals with juvenile nephronophthisis, Bardet-Biedl syndrome, Joubert syndrome, and congenital ocular motor apraxia type Cogan (PMID: 8852662, 10620543, 24746959, 15138899, 10839884). Loss-of-function variants in NPHP1 are known to be pathogenic (PMID: 23559409). For these reasons, this variant has been classified as Pathogenic.

Literature cited by the submitters: PubMed 8852662; PubMed 15138899; PubMed 10620543; PubMed 24746959; PubMed 10839884.